The following is an entry in ClinVar:

NM_000429.3(MAT1A):c.687C>T (p.Ala229=)

Gene: MAT1A (methionine adenosyltransferase 1A; minus strand). Cytogenetic location: 10q22.3.
Variant type: single nucleotide variant.
Coding change: c.687C>T on transcript NM_000429.3 (MANE Select); coding-DNA position 687, C replaced by T.
Protein change: p.Ala229=; no amino-acid change (alanine 229 retained).
Molecular consequence: synonymous variant.
Genome position (GRCh38, 1-based): chr10:80,276,457, G>A on the plus strand (C>T on the coding strand, the complement: MAT1A is on the minus strand). VCF-style: chr10-80276457-G-A. GRCh37 (hg19) VCF-style: chr10-82036213-G-A.
Identifiers: ClinVar variation 753915 (VCV000753915.10), dbSNP rs145297890, ClinGen allele CA5576735.

ClinVar aggregate classification (germline): Likely benign. Review status: criteria provided, multiple submitters, no conflicts (2 of 4 stars). 3 submissions from 3 submitters: Likely benign (2). 1 of the submissions does not count toward it. Last evaluated 2024-10-15.

Conditions:
Hepatic methionine adenosyltransferase deficiency. Also called: Deficiency of methionine adenosyltransferase; MAT I/III DEFICIENCY; Methionine adenosyltransferase deficiency; Isolated Persistent Hypermethioninemia. Identifiers: Orphanet 168598, MedGen C0268621, MeSH C564683, MONDO:0009607, OMIM 250850.
MAT1A-related disorder. Also called: MAT1A-related condition.

Allele frequency attached by ClinVar (database versions not stated): ESP Exome Variant Server 0.00008; gnomAD exomes 0.00002; ExAC 0.00001; gnomAD 0.00001; TOPMed 0.00002.
gnomAD v4.1: 64 of 1,614,180 alleles (0.004%); highest among the groups gnomAD compares: Non-Finnish European, 0.005%; no homozygotes.

Submissions (3):

Labcorp Genetics (formerly Invitae), Labcorp
Classification: Likely benign for Hepatic methionine adenosyltransferase deficiency. Last evaluated: 2024-10-15. Review status: criteria provided, single submitter. Criteria: Invitae Variant Classification Sherloc (09022015). Collection method: clinical testing. Allele origin: germline.

Women's Health and Genetics/Laboratory Corporation of America, LabCorp
Classification: Likely benign. Last evaluated: 2024-04-10. Review status: criteria provided, single submitter. Criteria: LabCorp Variant Classification Summary - May 2015. Collection method: clinical testing. Allele origin: germline.

PreventionGenetics, part of Exact Sciences
Classification: Likely benign for MAT1A-related condition. Last evaluated: 2019-06-18. Review status: no assertion criteria provided. Collection method: clinical testing. Allele origin: germline. Not counted in ClinVar's aggregate classification.
Comment: This variant is classified as likely benign based on ACMG/AMP sequence variant interpretation guidelines (Richards et al. 2015 PMID: 25741868, with internal and published modifications).